The following is an entry in ClinVar:

NM_007194.4(CHEK2):c.656A>C (p.Glu219Ala)

Gene: CHEK2 (checkpoint kinase 2; minus strand). Cytogenetic location: 22q12.1.
Variant type: single nucleotide variant.
Coding change: c.656A>C on transcript NM_007194.4 (MANE Select); coding-DNA position 656, A replaced by C.
Protein change: p.Glu219Ala; replaces glutamic acid 219 with alanine.
Molecular consequence: missense variant. On other transcripts: 5 prime UTR variant (2), intron variant (1).
Genome position (GRCh38, 1-based): chr22:28,719,422, T>G on the plus strand (A>C on the coding strand, the complement: CHEK2 is on the minus strand). VCF-style: chr22-28719422-T-G. GRCh37 (hg19) VCF-style: chr22-29115410-T-G.
Other names: c.785A>C, p.Glu262Ala (NM_001005735.3, NM_001438294.1); c.-8A>C (NM_001257387.3, NM_001437942.1); c.749A>C, p.Glu250Ala (NM_001438293.1, NM_001438295.1); c.656A>C, p.Glu219Ala (NM_145862.3); c.482+5464A>C (NM_001349956.3); short protein forms E262A, E219A, E250A.
Identifiers: ClinVar variation 3266966 (VCV003266966.1).

ClinVar aggregate classification (germline): Uncertain significance (1 of 4 stars; one submission).

Conditions:
Hereditary cancer-predisposing syndrome. Also called: Hereditary Cancer Syndrome; Tumor predisposition; Hereditary neoplastic syndrome; Neoplastic Syndromes, Hereditary. Identifiers: Orphanet 140162, MedGen C0027672, MeSH D009386, MONDO:0015356.

Submission:

Ambry Genetics
Classification: Uncertain significance for Hereditary cancer-predisposing syndrome. Last evaluated: 2024-06-03. Review status: criteria provided, single submitter. Criteria: Ambry Variant Classification Scheme 2023. Collection method: clinical testing. Allele origin: germline.
Comment: The p.E219A variant (also known as c.656A>C), located in coding exon 4 of the CHEK2 gene, results from an A to C substitution at nucleotide position 656. The glutamic acid at codon 219 is replaced by alanine, an amino acid with dissimilar properties. This amino acid position is not well conserved in available vertebrate species. In addition, this alteration is predicted to be tolerated by in silico analysis. Based on the available evidence, the clinical significance of this variant remains unclear.